The following is an entry in ClinVar:

NM_001035.3(RYR2):c.14773C>G (p.Leu4925Val)

Gene: RYR2 (ryanodine receptor 2; plus strand). Cytogenetic location: 1q43.
Variant type: single nucleotide variant.
Coding change: c.14773C>G on transcript NM_001035.3 (MANE Select); coding-DNA position 14773, C replaced by G.
Protein change: p.Leu4925Val; replaces leucine 4925 with valine.
Molecular consequence: missense variant.
Genome position (GRCh38, 1-based): chr1:237,831,530, C>G. VCF-style: chr1-237831530-C-G. GRCh37 (hg19) VCF-style: chr1-237994830-C-G.
Other names: short protein forms L4925V.
Identifiers: ClinVar variation 2865558 (VCV002865558.3), dbSNP rs2528486917, ClinGen allele CA345409911.

ClinVar aggregate classification (germline): Uncertain significance (1 of 4 stars; one submission).

Conditions:
Catecholaminergic polymorphic ventricular tachycardia 1. Also called: VENTRICULAR TACHYCARDIA, STRESS-INDUCED POLYMORPHIC 1; RYR2-Related Catecholaminergic Polymorphic Ventricular Tachycardia; VENTRICULAR TACHYCARDIA, CATECHOLAMINERGIC POLYMORPHIC, 1, WITH OR WITHOUT ATRIAL DYSFUNCTION AND/OR DILATED CARDIOMYOPATHY. Identifiers: Orphanet 3286, MedGen C1631597, MONDO:0011484, OMIM 604772.

Submission:

Labcorp Genetics (formerly Invitae), Labcorp
Classification: Uncertain significance for Catecholaminergic polymorphic ventricular tachycardia 1. Last evaluated: 2024-11-10. Review status: criteria provided, single submitter. Criteria: Invitae Variant Classification Sherloc (09022015). Collection method: clinical testing. Allele origin: germline.
Comment: This sequence change replaces leucine, which is neutral and non-polar, with valine, which is neutral and non-polar, at codon 4925 of the RYR2 protein (p.Leu4925Val). This variant is not present in population databases (gnomAD no frequency). This missense change has been observed in individual(s) with clinical features of RYR2-related conditions (internal data). ClinVar contains an entry for this variant (Variation ID: 2865558). Invitae Evidence Modeling of protein sequence and biophysical properties (such as structural, functional, and spatial information, amino acid conservation, physicochemical variation, residue mobility, and thermodynamic stability) has been performed for this missense variant. However, the output from this modeling did not meet the statistical confidence thresholds required to predict the impact of this variant on RYR2 protein function. In summary, the available evidence is currently insufficient to determine the role of this variant in disease. Therefore, it has been classified as a Variant of Uncertain Significance.